The following is an entry in ClinVar:

NM_020919.4(ALS2):c.2337G>C (p.Leu779Phe)

Gene: ALS2 (alsin Rho guanine nucleotide exchange factor ALS2; minus strand). Cytogenetic location: 2q33.1.
Variant type: single nucleotide variant.
Coding change: c.2337G>C on transcript NM_020919.4 (MANE Select); coding-DNA position 2337, G replaced by C.
Protein change: p.Leu779Phe; replaces leucine 779 with phenylalanine.
Molecular consequence: missense variant.
Genome position (GRCh38, 1-based): chr2:201,741,688, C>G on the plus strand (G>C on the coding strand, the complement: ALS2 is on the minus strand). VCF-style: chr2-201741688-C-G. GRCh37 (hg19) VCF-style: chr2-202606411-C-G.
Other names: short protein forms L779F.
Identifiers: ClinVar variation 379877 (VCV000379877.6), dbSNP rs752549107, ClinGen allele CA2058229.

ClinVar aggregate classification (germline): Uncertain significance. Review status: criteria provided, multiple submitters, no conflicts (2 of 4 stars). 3 submissions from 3 submitters: Uncertain significance (3). Last evaluated 2025-06-07.

Conditions:
Inborn genetic diseases. Identifiers: MedGen C0950123, MeSH D030342.
Infantile-onset ascending hereditary spastic paralysis (IAHSP). Also called: Autosomal Recessive Juvenile Amyotrophic Lateral Sclerosis; Infantile-Onset Ascending Hereditary Spastic Paralysis (IAHSP). Identifiers: Orphanet 293168, MedGen C2931441, MONDO:0011797, OMIM 607225. Disease mechanism: loss of function.

Allele frequency attached by ClinVar (database versions not stated): ExAC 0.00001; gnomAD exomes 0.00001; TOPMed 0.00002.
gnomAD v4.1: 3 of 1,614,000 alleles (0.00019%); highest among the groups gnomAD compares: Admixed American, 0.0033%; no homozygotes.

Submissions (3):

Ambry Genetics
Classification: Uncertain significance for Inborn genetic diseases. Last evaluated: 2025-06-07. Review status: criteria provided, single submitter. Criteria: Ambry Variant Classification Scheme 2023. Collection method: clinical testing. Allele origin: germline.

Labcorp Genetics (formerly Invitae), Labcorp
Classification: Uncertain significance for Infantile-onset ascending hereditary spastic paralysis. Last evaluated: 2024-12-09. Review status: criteria provided, single submitter. Criteria: Invitae Variant Classification Sherloc (09022015). Collection method: clinical testing. Allele origin: germline.
Comment: This sequence change replaces leucine, which is neutral and non-polar, with phenylalanine, which is neutral and non-polar, at codon 779 of the ALS2 protein (p.Leu779Phe). This variant is present in population databases (rs752549107, gnomAD 0.006%). This variant has not been reported in the literature in individuals affected with ALS2-related conditions. ClinVar contains an entry for this variant (Variation ID: 379877). Invitae Evidence Modeling of protein sequence and biophysical properties (such as structural, functional, and spatial information, amino acid conservation, physicochemical variation, residue mobility, and thermodynamic stability) has been performed for this missense variant. However, the output from this modeling did not meet the statistical confidence thresholds required to predict the impact of this variant on ALS2 protein function. In summary, the available evidence is currently insufficient to determine the role of this variant in disease. Therefore, it has been classified as a Variant of Uncertain Significance.

GeneDx
Classification: Uncertain significance. Last evaluated: 2015-06-05. Review status: criteria provided, single submitter. Criteria: GeneDx Variant Classification (06012015). Collection method: clinical testing. Allele origin: germline. Affected: yes.
Comment: The L779F variant in the ALS2 gene has not been published as a pathogenic variant, nor has it been reported as abenign polymorphism to our knowledge. The L779F variant was not observed in approximately 6000individuals of European and African American ancestry in the NHLBI Exome Sequencing Project,indicating it is not a common benign variant in these populations. The L779F variant is a conservativeamino acid substitution, which is not likely to impact secondary protein structure as these residues sharesimilar properties. This substitution occurs at a position that is conserved across species. In silico analysisis inconsistent in its predictions as to whether or not the variant is damaging to the proteinstructure/function. We interpret L779F as a variant of unknown significance.